The following is an entry in ClinVar:

NM_001378328.1(CELSR1):c.5311G>A (p.Asp1771Asn)

Gene: CELSR1 (cadherin EGF LAG seven-pass G-type receptor 1; minus strand). Cytogenetic location: 22q13.31.
Variant type: single nucleotide variant.
Coding change: c.5311G>A on transcript NM_001378328.1 (MANE Select); coding-DNA position 5311, G replaced by A.
Protein change: p.Asp1771Asn; replaces aspartic acid 1771 with asparagine.
Molecular consequence: missense variant.
Genome position (GRCh38, 1-based): chr22:46,399,818, C>T on the plus strand (G>A on the coding strand, the complement: CELSR1 is on the minus strand). VCF-style: chr22-46399818-C-T. GRCh37 (hg19) VCF-style: chr22-46795715-C-T.
Other names: c.5311G>A, p.Asp1771Asn (NM_014246.4); short protein forms D1771N.
Identifiers: ClinVar variation 4820206 (VCV004820206.1).

ClinVar aggregate classification (germline): Likely benign (1 of 4 stars; one submission).

Conditions:
Yellow nail syndrome (YNS). Also called: LYMPHEDEMA AND YELLOW NAILS. Identifiers: Orphanet 662, MedGen C0221348, MONDO:0007921, OMIM 153300.

gnomAD v4.1: 13 of 1,614,034 alleles (0.00081%); highest among the groups gnomAD compares: Admixed American, 0.0067%; no homozygotes.

Submission:

Centre for Medical Genetics,  Mumbai
Classification: Likely benign for Yellow nail syndrome. Last evaluated: 2026-03-26. Review status: criteria provided, single submitter. Criteria: ACMG Guidelines, 2015. Collection method: provider interpretation. Allele origin: germline. Inheritance: Autosomal recessive inheritance. Affected: no. Observed: 1 variant allele, 1 homozygote.
Comment: The variant satisfies PM2 criteria; Extremely low frequency in gnomAD population databases. However, the variant satisfies BS2 criteria.

Literature cited by the submitters: PubMed 39715557.